The following is an entry in ClinVar:

ClinVar aggregate classification (germline): Benign/Likely benign. Review status: criteria provided, multiple submitters, no conflicts (2 of 4 stars). 2 submissions from 2 submitters: Benign (1); Likely benign (1). Last evaluated 2019-04-03.

Conditions:
X-linked lymphoproliferative disease due to SH2D1A deficiency (XLP1). Also called: IMMUNODEFICIENCY 5; IMMUNODEFICIENCY, X-LINKED PROGRESSIVE COMBINED VARIABLE; INFECTIOUS MONONUCLEOSIS, SEVERE, SUSCEPTIBILITY TO; PURTILO SYNDROME; DUNCAN DISEASE; SH2D1A-Related Lymphoproliferative Disease, X-Linked. Identifiers: Orphanet 2442, Orphanet 538931, MedGen C5399825, MONDO:0024551, OMIM 308240.

Allele frequency attached by ClinVar (database versions not stated): 1000 Genomes Project 0.00503; gnomAD 0.00603 and 0.00649; TOPMed 0.00686; gnomAD exomes 0.00092; 1000 Genomes Project 30x 0.00562.

Submissions (2):

GeneDx
Classification: Likely benign. Last evaluated: 2019-04-03. Review status: criteria provided, single submitter. Criteria: GeneDx Variant Classification Process June 2021. Collection method: clinical testing. Allele origin: germline. Affected: yes.

Illumina Laboratory Services, Illumina
Classification: Benign for X-linked lymphoproliferative disease due to SH2D1A deficiency. Last evaluated: 2018-01-12. Review status: criteria provided, single submitter. Criteria: ICSL Variant Classification Criteria 13 December 2019. Collection method: clinical testing. Allele origin: germline.
Comment: This variant was observed in the ICSL laboratory as part of a predisposition screen in an ostensibly healthy population. It had not been previously curated by ICSL or reported in the Human Gene Mutation Database (HGMD: prior to June 1st, 2018), and was therefore a candidate for classification through an automated scoring system. Utilizing variant allele frequency, disease prevalence and penetrance estimates, and inheritance mode, an automated score was calculated to assess if this variant is too frequent to cause the disease. Based on the score and internal cut-off values, a variant classified as benign is not then subjected to further curation. The score for this variant resulted in a classification of benign for this disease.

NM_002351.4(SH2D1A):c.-318G>C

Gene: SH2D1A (SH2 domain containing 1A; plus strand). Cytogenetic location: Xq25.
Variant type: single nucleotide variant.
Coding change: c.-318G>C on transcript NM_002351.4; 318 bases upstream of the start codon, G replaced by C.
Genome position (GRCh38, 1-based): chrX:124,346,325, G>C. VCF-style: chrX-124346325-G-C. GRCh37 (hg19) VCF-style: chrX-123480175-G-C.
Identifiers: ClinVar variation 367867 (VCV000367867.10), dbSNP rs146024883, ClinGen allele CA10653774.